The following is an entry in ClinVar:

NM_001291867.2(NHS):c.3711T>C (p.Ala1237=)

Gene: NHS (NHS actin remodeling regulator; plus strand). Cytogenetic location: Xp22.13.
Variant type: single nucleotide variant.
Coding change: c.3711T>C on transcript NM_001291867.2 (MANE Select); coding-DNA position 3711, T replaced by C.
Protein change: p.Ala1237=; no amino-acid change (alanine 1237 retained).
Molecular consequence: synonymous variant.
Genome position (GRCh38, 1-based): chrX:17,727,817, T>C. VCF-style: chrX-17727817-T-C. GRCh37 (hg19) VCF-style: chrX-17745937-T-C.
Other names: c.3180T>C, p.Ala1060= (NM_001136024.4); c.3117T>C, p.Ala1039= (NM_001291868.2); c.3372T>C, p.Ala1124= (NM_001440780.1); c.3648T>C, p.Ala1216= (NM_198270.4).
Identifiers: ClinVar variation 4994202 (VCV004994202.1).

ClinVar aggregate classification (germline): Likely benign (1 of 4 stars; one submission).

Conditions:
NHS-related disorder. Also called: NHS-related condition.

Submission:

PreventionGenetics, part of Exact Sciences
Classification: Likely benign for NHS-related condition. Last evaluated: 2025-09-25. Review status: criteria provided, single submitter. Criteria: ACMG Guidelines, 2015. Collection method: clinical testing. Allele origin: germline.
Comment: This variant is classified as likely benign based on ACMG/AMP sequence variant interpretation guidelines (Richards et al. 2015 PMID: 25741868, with internal and published modifications).